The following is an entry in ClinVar:

ClinVar aggregate classification (germline): Uncertain significance (1 of 4 stars; one submission).

Allele frequency attached by ClinVar (database versions not stated): gnomAD exomes 0.00001 and 0.00002; ExAC 0.00002; gnomAD 0.00002 and 0.00003; TOPMed 0.00002.
gnomAD v4.1: 38 of 1,604,046 alleles (0.0024%); highest among the groups gnomAD compares: Non-Finnish European, 0.003%; no homozygotes.

Submission:

Labcorp Genetics (formerly Invitae), Labcorp
Classification: Uncertain significance. Last evaluated: 2025-10-29. Review status: criteria provided, single submitter. Criteria: Invitae Variant Classification Sherloc (09022015). Collection method: clinical testing. Allele origin: germline.
Comment: This sequence change replaces threonine, which is neutral and polar, with isoleucine, which is neutral and non-polar, at codon 217 of the STAT4 protein (p.Thr217Ile). The frequency data for this variant in the population databases is considered unreliable, as metrics indicate poor data quality at this position in the gnomAD database. This variant has not been reported in the literature in individuals affected with STAT4-related conditions. ClinVar contains an entry for this variant (Variation ID: 1396855). Invitae Evidence Modeling of protein sequence and biophysical properties (such as structural, functional, and spatial information, amino acid conservation, physicochemical variation, residue mobility, and thermodynamic stability) indicates that this missense variant is not expected to disrupt STAT4 protein function with a negative predictive value of 80%. In summary, the available evidence is currently insufficient to determine the role of this variant in disease. Therefore, it has been classified as a Variant of Uncertain Significance.

NM_003151.4(STAT4):c.650C>T (p.Thr217Ile)

Gene: STAT4 (signal transducer and activator of transcription 4; minus strand). Cytogenetic location: 2q32.2.
Variant type: single nucleotide variant.
Coding change: c.650C>T on transcript NM_003151.4 (MANE Select); coding-DNA position 650, C replaced by T.
Protein change: p.Thr217Ile; replaces threonine 217 with isoleucine.
Molecular consequence: missense variant.
Genome position (GRCh38, 1-based): chr2:191,064,939, G>A on the plus strand (C>T on the coding strand, the complement: STAT4 is on the minus strand). VCF-style: chr2-191064939-G-A. GRCh37 (hg19) VCF-style: chr2-191929665-G-A.
Other names: c.650C>T, p.Thr217Ile (NM_001243835.2); short protein forms T217I.
Identifiers: ClinVar variation 1396855 (VCV001396855.8), dbSNP rs778253892, ClinGen allele CA2030820.